The following is an entry in ClinVar:

NM_000540.3(RYR1):c.10019T>C (p.Val3340Ala)

Gene: RYR1 (ryanodine receptor 1; plus strand). Cytogenetic location: 19q13.2.
Variant type: single nucleotide variant.
Coding change: c.10019T>C on transcript NM_000540.3 (MANE Select); coding-DNA position 10019, T replaced by C.
Protein change: p.Val3340Ala; replaces valine 3340 with alanine.
Molecular consequence: missense variant.
Genome position (GRCh38, 1-based): chr19:38,519,214, T>C. VCF-style: chr19-38519214-T-C. GRCh37 (hg19) VCF-style: chr19-39009854-T-C.
Other names: c.10019T>C, p.Val3340Ala (NM_001042723.2); c.10019T>C (NM_000540.2); short protein forms V3340A.
Identifiers: ClinVar variation 1405716 (VCV001405716.4), dbSNP rs765507146, ClinGen allele CA052180.

ClinVar aggregate classification (germline): Uncertain significance. Review status: criteria provided, multiple submitters, no conflicts (2 of 4 stars). 2 submissions from 2 submitters: Uncertain significance (2). Last evaluated 2025-07-03.

Conditions:
RYR1-related disorder. Also called: RYR1-related disorders; RYR1-related condition. Identifiers: MedGen CN239331.

Allele frequency attached by ClinVar (database versions not stated): gnomAD exomes below 0.00001 and 0.00001; ExAC 0.00002.
gnomAD v4.1: 4 of 1,614,058 alleles (0.00025%); highest among the groups gnomAD compares: Non-Finnish European, 0.00034%; no homozygotes.

Submissions (2):

PreventionGenetics, part of Exact Sciences
Classification: Uncertain significance for RYR1-related condition. Last evaluated: 2025-07-03. Review status: criteria provided, single submitter. Criteria: ACMG Guidelines, 2015. Collection method: clinical testing. Allele origin: germline.
Comment: The RYR1 c.10019T>C variant is predicted to result in the amino acid substitution p.Val3340Ala. To our knowledge, this variant has not been reported in the literature. This variant is reported in 0.0018% of alleles in individuals of European (non-Finnish) descent in gnomAD. At this time, the clinical significance of this variant is uncertain due to the absence of conclusive functional and genetic evidence.

Labcorp Genetics (formerly Invitae), Labcorp
Classification: Uncertain significance for RYR1-related disorder. Last evaluated: 2021-10-21. Review status: criteria provided, single submitter. Criteria: Invitae Variant Classification Sherloc (09022015). Collection method: clinical testing. Allele origin: germline.
Comment: This sequence change replaces valine with alanine at codon 3340 of the RYR1 protein (p.Val3340Ala). The valine residue is highly conserved and there is a small physicochemical difference between valine and alanine. This variant is present in population databases (rs765507146, ExAC 0.003%). This variant has not been reported in the literature in individuals affected with RYR1-related conditions. Algorithms developed to predict the effect of missense changes on protein structure and function are either unavailable or do not agree on the potential impact of this missense change (SIFT: "Deleterious"; PolyPhen-2: "Benign"; Align-GVGD: "Class C0"). In summary, the available evidence is currently insufficient to determine the role of this variant in disease. Therefore, it has been classified as a Variant of Uncertain Significance.